The following is an entry in ClinVar:

NM_012330.4(KAT6B):c.1485A>G (p.Pro495=)

Gene: KAT6B (lysine acetyltransferase 6B; plus strand). Cytogenetic location: 10q22.2.
Variant type: single nucleotide variant.
Coding change: c.1485A>G on transcript NM_012330.4 (MANE Select); coding-DNA position 1485, A replaced by G.
Protein change: p.Pro495=; no amino-acid change (proline 495 retained).
Molecular consequence: synonymous variant. On other transcripts: intron variant (13).
Genome position (GRCh38, 1-based): chr10:74,975,822, A>G. VCF-style: chr10-74975822-A-G. GRCh37 (hg19) VCF-style: chr10-76735580-A-G.
Other names: c.1485A>G, p.Pro495= (NM_001370136.1, NM_001370137.1); c.1117+368A>G (NM_001370139.1, NM_001370140.1, NM_001370141.1 and 3 more transcripts); c.1444+41A>G (NM_001370138.1, NM_001256468.2); c.846+6047A>G (NM_001370133.1); c.193-3402A>G (NM_001370134.1); c.929-1494A>G (NM_001370143.1, NM_001370144.1); c.193-13197A>G (NM_001370135.1); c.1485A>G (NM_012330.3).
Identifiers: ClinVar variation 2039878 (VCV002039878.7), dbSNP rs200878724, ClinGen allele CA5564413.

ClinVar aggregate classification (germline): Benign/Likely benign. Review status: criteria provided, multiple submitters, no conflicts (2 of 4 stars). 3 submissions from 3 submitters: Benign (1); Likely benign (1). 1 of the submissions does not count toward it. Last evaluated 2025-11-17.

Conditions:
Genitopatellar syndrome (GTPTS). Also called: ABSENT PATELLAE, SCROTAL HYPOPLASIA, RENAL ANOMALIES, FACIAL DYSMORPHISM, AND MENTAL RETARDATION; Genitopatellar syndrome (GPS). Identifiers: Orphanet 85201, MedGen C1853566, MONDO:0011640, OMIM 606170.
KAT6B-related disorder. Also called: KAT6B-related disorders; KAT6B-related condition.

Allele frequency attached by ClinVar (database versions not stated): gnomAD 0.00006; TOPMed 0.00006; ExAC 0.00007; 1000 Genomes Project 30x 0.00031; 1000 Genomes Project 0.00040.
gnomAD v4.1: 38 of 1,613,796 alleles (0.0024%); highest among the groups gnomAD compares: East Asian, 0.078%; no homozygotes.

Submissions (3):

Labcorp Genetics (formerly Invitae), Labcorp
Classification: Benign for Genitopatellar syndrome. Last evaluated: 2025-11-17. Review status: criteria provided, single submitter. Criteria: Invitae Variant Classification Sherloc (09022015). Collection method: clinical testing. Allele origin: germline.

Blueprint Genetics
Classification: Likely benign. Last evaluated: 2023-06-29. Review status: criteria provided, single submitter. Criteria: ACMG Guidelines, 2015. Collection method: clinical testing. Allele origin: germline.

PreventionGenetics, part of Exact Sciences
Classification: Likely benign for KAT6B-related condition. Last evaluated: 2022-08-26. Review status: no assertion criteria provided. Collection method: clinical testing. Allele origin: germline. Not counted in ClinVar's aggregate classification.
Comment: This variant is classified as likely benign based on ACMG/AMP sequence variant interpretation guidelines (Richards et al. 2015 PMID: 25741868, with internal and published modifications).